The following is an entry in ClinVar:

ClinVar aggregate classification (germline): Likely benign (1 of 4 stars; one submission).

Submission:

CeGaT Center for Human Genetics Tuebingen
Classification: Likely benign. Last evaluated: 2022-10-01. Review status: criteria provided, single submitter. Criteria: CeGaT Center For Human Genetics Tuebingen Variant Classification Criteria Version 2. Collection method: clinical testing. Allele origin: germline. Affected: yes. Observed: 1 variant allele.
Comment: FCGBP: BP4, BP7

NM_003890.3(FCGBP):c.6885C>T (p.Asp2295=)

Gene: FCGBP (Fc gamma binding protein; minus strand). Cytogenetic location: 19q13.2.
Variant type: single nucleotide variant.
Coding change: c.6885C>T on transcript NM_003890.3 (MANE Select); coding-DNA position 6885, C replaced by T.
Protein change: p.Asp2295=; no amino-acid change (aspartic acid 2295 retained).
Molecular consequence: synonymous variant.
Identifiers: ClinVar variation 2649856 (VCV002649856.19), dbSNP rs1599910261, ClinGen allele CA9436806.